The following is an entry in ClinVar:

NM_000256.3(MYBPC3):c.3175G>A (p.Val1059Met)

Gene: MYBPC3 (myosin binding protein C3; minus strand). Cytogenetic location: 11p11.2.
Variant type: single nucleotide variant.
Coding change: c.3175G>A on transcript NM_000256.3 (MANE Select); coding-DNA position 3175, G replaced by A.
Protein change: p.Val1059Met; replaces valine 1059 with methionine.
Molecular consequence: missense variant.
Genome position (GRCh38, 1-based): chr11:47,333,572, C>T on the plus strand (G>A on the coding strand, the complement: MYBPC3 is on the minus strand). VCF-style: chr11-47333572-C-T. GRCh37 (hg19) VCF-style: chr11-47355123-C-T.
Other names: c.3175G>A, p.Val1059Met (LRG_386t1); short protein forms V1059M.
Identifiers: ClinVar variation 575438 (VCV000575438.8), dbSNP rs754747269, ClinGen allele CA380314670.
Genomic context (GRCh38, chr11:47,333,572, plus strand): 5'-CAGGGAAGGGAAACAAGGGGGCTCAAGGAGGCCTTGGCCACGCACCAACAACCTGCAGCA[C>T]CAGCGTGGCCTTGTCCTCCATGTTCTCAATGCGCACCGTCACCTGGTAAGTGCCTGAATG-3'
Protein context (NP_000247.2, residues 1049-1069): IENMEDKATL[Val1059Met]LQVVDKPSPP

ClinVar aggregate classification (germline): Uncertain significance (1 of 4 stars; one submission).

Conditions:
Hypertrophic cardiomyopathy. Also called: HYPERTROPHIC MYOCARDIOPATHY. Identifiers: Orphanet 217569, MedGen C0007194, MeSH D002312, MONDO:0005045, HP:0001639.

Submission:

Labcorp Genetics (formerly Invitae), Labcorp
Classification: Uncertain significance for Hypertrophic cardiomyopathy. Last evaluated: 2018-06-08. Review status: criteria provided, single submitter. Criteria: Invitae Variant Classification Sherloc (09022015). Collection method: clinical testing. Allele origin: germline.
Comment: In summary, the available evidence is currently insufficient to determine the role of this variant in disease. Therefore, it has been classified as a Variant of Uncertain Significance. A computational algorithm designed to assess the pathogenicity of variants in MYBPC3 with regard to hypertrophic cardiomyopathy predicted this sequence change to be tolerated. The algorithm has a sensitivity of 94% and a specificity of 89% (PMID: 21310275). This variant has not been reported in the literature in individuals with MYBPC3-related disease. This variant is not present in population databases (ExAC no frequency). This sequence change replaces valine with methionine at codon 1059 of the MYBPC3 protein (p.Val1059Met). The valine residue is moderately conserved and there is a small physicochemical difference between valine and methionine.

Literature cited by the submitters: PubMed 21310275.